The following is an entry in ClinVar:

NM_001242957.3(MAK):c.1637A>G (p.Asn546Ser)

Gene: MAK (male germ cell associated kinase; minus strand). Cytogenetic location: 6p24.2.
Variant type: single nucleotide variant.
Coding change: c.1637A>G on transcript NM_001242957.3 (MANE Select); coding-DNA position 1637, A replaced by G.
Protein change: p.Asn546Ser; replaces asparagine 546 with serine.
Molecular consequence: missense variant. On other transcripts: intron variant (3).
Genome position (GRCh38, 1-based): chr6:10,773,069, T>C on the plus strand (A>G on the coding strand, the complement: MAK is on the minus strand). VCF-style: chr6-10773069-T-C. GRCh37 (hg19) VCF-style: chr6-10773302-T-C.
Other names: c.1495+2259A>G (NM_001377262.1); c.1597+2259A>G (NM_005906.6, NM_001242385.2); short protein forms N546S.
Identifiers: ClinVar variation 1022781 (VCV001022781.7), dbSNP rs371455796, ClinGen allele CA134100499.

ClinVar aggregate classification (germline): Uncertain significance (1 of 4 stars; one submission).

Allele frequency attached by ClinVar (database versions not stated): gnomAD exomes 0.00001; TOPMed 0.00002; gnomAD 0.00003 and 0.00004.
gnomAD v4.1: 57 of 1,531,928 alleles (0.0037%); highest among the groups gnomAD compares: Middle Eastern, 0.05%; 2 homozygotes.

Submission:

Labcorp Genetics (formerly Invitae), Labcorp
Classification: Uncertain significance. Last evaluated: 2022-09-13. Review status: criteria provided, single submitter. Criteria: Invitae Variant Classification Sherloc (09022015). Collection method: clinical testing. Allele origin: germline.
Comment: This sequence change replaces asparagine, which is neutral and polar, with serine, which is neutral and polar, at codon 546 of the MAK protein (p.Asn546Ser). This variant is present in population databases (rs371455796, gnomAD 0.01%). This variant has not been reported in the literature in individuals affected with MAK-related conditions. ClinVar contains an entry for this variant (Variation ID: 1022781). Advanced modeling of protein sequence and biophysical properties (such as structural, functional, and spatial information, amino acid conservation, physicochemical variation, residue mobility, and thermodynamic stability) performed at Invitae indicates that this missense variant is not expected to disrupt MAK protein function. In summary, the available evidence is currently insufficient to determine the role of this variant in disease. Therefore, it has been classified as a Variant of Uncertain Significance.